The following is an entry in ClinVar:

ClinVar aggregate classification (germline): Uncertain significance (1 of 4 stars; one submission).

Conditions:
Long QT syndrome (LQTS). Identifiers: MedGen C0023976, MeSH D008133, MONDO:0002442. Disease mechanism: loss of function. Inheritance: Various modes of inheritance.

Submission:

Labcorp Genetics (formerly Invitae), Labcorp
Classification: Uncertain significance for Long QT syndrome. Last evaluated: 2025-07-24. Review status: criteria provided, single submitter. Criteria: Invitae Variant Classification Sherloc (09022015). Collection method: clinical testing. Allele origin: germline.
Comment: This sequence change replaces lysine, which is basic and polar, with glutamic acid, which is acidic and polar, at codon 786 of the CACNA1C protein (p.Lys786Glu). This variant is not present in population databases (gnomAD no frequency). This variant has not been reported in the literature in individuals affected with CACNA1C-related conditions. ClinVar contains an entry for this variant (Variation ID: 2744170). Invitae Evidence Modeling of protein sequence and biophysical properties (such as structural, functional, and spatial information, amino acid conservation, physicochemical variation, residue mobility, and thermodynamic stability) indicates that this missense variant is not expected to disrupt CACNA1C protein function with a negative predictive value of 80%. In summary, the available evidence is currently insufficient to determine the role of this variant in disease. Therefore, it has been classified as a Variant of Uncertain Significance.

NM_000719.7(CACNA1C):c.2356A>G (p.Lys786Glu)

Gene: CACNA1C (calcium voltage-gated channel subunit alpha1 C; plus strand). Cytogenetic location: 12p13.33.
Variant type: single nucleotide variant.
Coding change: c.2356A>G on transcript NM_000719.7 (MANE Select); coding-DNA position 2356, A replaced by G.
Protein change: p.Lys786Glu; replaces lysine 786 with glutamic acid.
Molecular consequence: missense variant.
Genome position (GRCh38, 1-based): chr12:2,585,392, A>G. VCF-style: chr12-2585392-A-G. GRCh37 (hg19) VCF-style: chr12-2694558-A-G.
Other names: c.2356A>G, p.Lys786Glu (NM_001129835.2, NM_001129836.2, NM_001129837.2 and 18 more transcripts); c.2347A>G, p.Lys783Glu (NM_001129844.2); short protein forms K783E, K786E.
Identifiers: ClinVar variation 2744170 (VCV002744170.3), dbSNP rs1555834649, ClinGen allele CA383371638.